The following is an entry in ClinVar:

ClinVar aggregate classification (germline): Uncertain significance (1 of 4 stars; one submission).

Allele frequency attached by ClinVar (database versions not stated): gnomAD exomes 0.00001; gnomAD 0.00002; TOPMed 0.00006.
gnomAD v4.1: 6 of 1,609,450 alleles (0.00037%); highest among the groups gnomAD compares: Admixed American, 0.0068%; no homozygotes.

Submission:

Women's Health and Genetics/Laboratory Corporation of America, LabCorp
Classification: Uncertain significance. Last evaluated: 2023-12-08. Review status: criteria provided, single submitter. Criteria: LabCorp Variant Classification Summary - May 2015. Collection method: clinical testing. Allele origin: germline.
Comment: Variant summary: TNRC6B c.3936+8G>A alters a non-conserved nucleotide located close to a canonical splice site and therefore could affect mRNA splicing, leading to a significantly altered protein sequence. Several computational tools predict a significant impact on normal splicing: Four predict the variant creates or strengthens a cryptic 3' acceptor site and three predict the variant abolishes or weakens a cryptic 5' donor site. However, these predictions have yet to be confirmed by functional studies. The variant allele was found at a frequency of 8.3e-06 in 240306 control chromosomes (gnomAD). The available data on variant occurrences in the general population are insufficient to allow any conclusion about variant significance. To our knowledge, no occurrence of c.3936+8G>A in individuals affected with Global Developmental Delay With Speech And Behavioral Abnormalities and no experimental evidence demonstrating its impact on protein function have been reported. No submitters have cited clinical-significance assessments for this variant to ClinVar after 2014. Based on the evidence outlined above, the variant was classified as uncertain significance.

NM_001162501.2(TNRC6B):c.3936+8G>A

Gene: TNRC6B (trinucleotide repeat containing adaptor 6B; plus strand). Cytogenetic location: 22q13.1.
Variant type: single nucleotide variant.
Coding change: c.3936+8G>A on transcript NM_001162501.2 (MANE Select); 8 bases into the intron after coding-DNA position 3936, G replaced by A.
Molecular consequence: intron variant.
Genome position (GRCh38, 1-based): chr22:40,301,013, G>A. VCF-style: chr22-40301013-G-A. GRCh37 (hg19) VCF-style: chr22-40697017-G-A.
Other names: c.1524+8G>A (NM_001024843.2); c.3606+8G>A (NM_015088.3).
Identifiers: ClinVar variation 2691538 (VCV002691538.1), dbSNP rs757116975, ClinGen allele CA10247181.